The following is an entry in ClinVar:

ClinVar aggregate classification (germline): Uncertain significance (1 of 4 stars; one submission).

Allele frequency attached by ClinVar (database versions not stated): gnomAD exomes below 0.00001; TOPMed below 0.00001; ExAC 0.00001.
gnomAD v4.1: 7 of 1,613,830 alleles (0.00043%); highest among the groups gnomAD compares: Non-Finnish European, 0.00059%; no homozygotes.

Submission:

Labcorp Genetics (formerly Invitae), Labcorp
Classification: Uncertain significance. Last evaluated: 2022-04-10. Review status: criteria provided, single submitter. Criteria: Invitae Variant Classification Sherloc (09022015). Collection method: clinical testing. Allele origin: germline.
Comment: This sequence change replaces asparagine, which is neutral and polar, with serine, which is neutral and polar, at codon 4267 of the FAT4 protein (p.Asn4267Ser). This variant is present in population databases (rs763019614, gnomAD 0.002%). This variant has not been reported in the literature in individuals affected with FAT4-related conditions. Advanced modeling of protein sequence and biophysical properties (such as structural, functional, and spatial information, amino acid conservation, physicochemical variation, residue mobility, and thermodynamic stability) performed at Invitae indicates that this missense variant is not expected to disrupt FAT4 protein function. In summary, the available evidence is currently insufficient to determine the role of this variant in disease. Therefore, it has been classified as a Variant of Uncertain Significance.

NM_001291303.3(FAT4):c.12806A>G (p.Asn4269Ser)

Gene: FAT4 (FAT atypical cadherin 4; plus strand). Cytogenetic location: 4q28.1.
Variant type: single nucleotide variant.
Coding change: c.12806A>G on transcript NM_001291303.3 (MANE Select); coding-DNA position 12806, A replaced by G.
Protein change: p.Asn4269Ser; replaces asparagine 4269 with serine.
Molecular consequence: missense variant.
Genome position (GRCh38, 1-based): chr4:125,481,722, A>G. VCF-style: chr4-125481722-A-G. GRCh37 (hg19) VCF-style: chr4-126402877-A-G.
Other names: c.12806A>G, p.Asn4269Ser (NM_001291285.3); c.12800A>G, p.Asn4267Ser (NM_024582.6); short protein forms N4267S, N4269S.
Identifiers: ClinVar variation 2124142 (VCV002124142.1), dbSNP rs763019614, ClinGen allele CA3074182.